The following is an entry in ClinVar:

ClinVar aggregate classification (germline): Uncertain significance (1 of 4 stars; one submission).

Conditions:
Spermatogenic failure 18. Identifiers: MedGen C4539783, MONDO:0054615, OMIM 617576.
Ciliary dyskinesia, primary, 37 (CILD37). Also called: CILIARY DYSKINESIA, PRIMARY, 37, WITH OR WITHOUT SITUS INVERSUS. Identifiers: MedGen C4539798, MONDO:0033204, OMIM 617577.

Allele frequency attached by ClinVar (database versions not stated): gnomAD 0.00002; ESP Exome Variant Server 0.00008.
gnomAD v4.1: 42 of 1,610,966 alleles (0.0026%); highest among the groups gnomAD compares: Non-Finnish European, 0.0032%; no homozygotes.

Submission:

Labcorp Genetics (formerly Invitae), Labcorp
Classification: Uncertain significance for Ciliary dyskinesia, primary, 37; Spermatogenic failure 18. Last evaluated: 2022-09-18. Review status: criteria provided, single submitter. Criteria: Invitae Variant Classification Sherloc (09022015). Collection method: clinical testing. Allele origin: germline.
Comment: In summary, the available evidence is currently insufficient to determine the role of this variant in disease. Therefore, it has been classified as a Variant of Uncertain Significance. Advanced modeling of protein sequence and biophysical properties (such as structural, functional, and spatial information, amino acid conservation, physicochemical variation, residue mobility, and thermodynamic stability) performed at Invitae indicates that this missense variant is not expected to disrupt DNAH1 protein function. This variant has not been reported in the literature in individuals affected with DNAH1-related conditions. This variant is present in population databases (rs368444329, gnomAD 0.007%). This sequence change replaces arginine, which is basic and polar, with histidine, which is basic and polar, at codon 3452 of the DNAH1 protein (p.Arg3452His).

NM_015512.5(DNAH1):c.10355G>A (p.Arg3452His)

Gene: DNAH1 (dynein axonemal heavy chain 1; plus strand). Cytogenetic location: 3p21.1.
Variant type: single nucleotide variant.
Coding change: c.10355G>A on transcript NM_015512.5 (MANE Select); coding-DNA position 10355, G replaced by A.
Protein change: p.Arg3452His; replaces arginine 3452 with histidine.
Molecular consequence: missense variant.
Genome position (GRCh38, 1-based): chr3:52,392,906, G>A. VCF-style: chr3-52392906-G-A. GRCh37 (hg19) VCF-style: chr3-52426922-G-A.
Other names: short protein forms R3452H.
Identifiers: ClinVar variation 2141704 (VCV002141704.4), dbSNP rs368444329, ClinGen allele CA2435813.